The following is an entry in ClinVar:

NM_033305.3(VPS13A):c.9189+2545TGA[9]

Gene: VPS13A (vacuolar protein sorting 13 homolog A; plus strand). Cytogenetic location: 9q21.2.
Variant type: Microsatellite.
Coding change: c.9189+2545TGA[9] on transcript NM_033305.3 (MANE Select); nine copies in a row of the 3-base unit TGA starting at c.9189+2545; the reference has 11 copies in a row; two copies, 6 bases deleted.
Molecular consequence: intron variant. On other transcripts: inframe deletion (1).
Genome position (GRCh38, 1-based): chr9:77,384,659-77,384,664, TGATGA deleted; deleting any 6 consecutive bases within chr9:77,384,632-77,384,664 gives the same sequence; the position shown is the placement nearest the transcript's 3' end. VCF-style (leftmost placement, unchanged base first): chr9-77384631-GTGATGA-G. GRCh37 (hg19) VCF-style: chr9-79999547-GTGATGA-G.
Other names: c.9264_9269del6 (NM_015186.3); c.9237TGA[9], p.Asp3088_Asp3089del (NM_015186.4); c.9072+2545TGA[9] (NM_001018037.2).
Identifiers: ClinVar variation 552735 (VCV000552735.4), dbSNP rs113052866, ClinGen allele CA5093931.

ClinVar aggregate classification (germline): Likely benign. Review status: no assertion criteria provided (0 of 4 stars). 2 submissions from 2 submitters: Likely benign (2). Last evaluated 2019-07-01.

Conditions:
VPS13A-related disorder. Also called: VPS13A-related condition.
VPS13A-related neurodegenerative disease. Also called: LEVINE-CRITCHLEY SYNDROME; Choreoacanthocytosis; Chorea-acanthocytosis; VPS13A Disease; Choreaacanthocytosis; ACANTHOCYTOSIS WITH NEUROLOGIC DISORDER. Identifiers: Orphanet 2388, MedGen C0393576, MONDO:0008695, OMIM 200150.

Submissions (2):

PreventionGenetics, part of Exact Sciences
Classification: Likely benign for VPS13A-related condition. Last evaluated: 2019-07-01. Review status: no assertion criteria provided. Collection method: clinical testing. Allele origin: germline.
Comment: This variant is classified as likely benign based on ACMG/AMP sequence variant interpretation guidelines (Richards et al. 2015 PMID: 25741868, with internal and published modifications).

Counsyl
Classification: Likely benign for VPS13A-related neurodegenerative disease. Last evaluated: 2017-07-05. Review status: no assertion criteria provided. Collection method: clinical testing. Allele origin: unknown.